The following is an entry in ClinVar:

NM_001365276.2(TNXB):c.3206C>T (p.Thr1069Met)

Gene: TNXB (tenascin XB; minus strand). Cytogenetic location: 6p21.33.
Variant type: single nucleotide variant.
Coding change: c.3206C>T on transcript NM_001365276.2 (MANE Select); coding-DNA position 3206, C replaced by T.
Protein change: p.Thr1069Met; replaces threonine 1069 with methionine.
Molecular consequence: missense variant.
Genome position (GRCh38, 1-based): chr6:32,084,652, G>A on the plus strand (C>T on the coding strand, the complement: TNXB is on the minus strand). VCF-style: chr6-32084652-G-A. GRCh37 (hg19) VCF-style: chr6-32052429-G-A.
Other names: c.3206C>T, p.Thr1069Met (NM_019105.8); short protein forms T1069M.
Identifiers: ClinVar variation 1728865 (VCV001728865.28), dbSNP rs755472309, ClinGen allele CA3735225.

ClinVar aggregate classification (germline): Uncertain significance. Review status: criteria provided, multiple submitters, no conflicts (2 of 4 stars). 2 submissions from 2 submitters: Uncertain significance (2). Last evaluated 2025-01-23.

Conditions:
Cardiovascular phenotype. Identifiers: MedGen CN230736.

Allele frequency attached by ClinVar (database versions not stated): gnomAD 0.00001; ExAC 0.00002; TOPMed 0.00002.
gnomAD v4.1: 17 of 1,597,056 alleles (0.0011%); highest among the groups gnomAD compares: Non-Finnish European, 0.0015%; no homozygotes.

Submissions (2):

Ambry Genetics
Classification: Uncertain significance for Cardiovascular phenotype. Last evaluated: 2025-01-23. Review status: criteria provided, single submitter. Criteria: Ambry Variant Classification Scheme 2023. Collection method: clinical testing. Allele origin: germline.

CeGaT Center for Human Genetics Tuebingen
Classification: Uncertain significance. Last evaluated: 2022-08-01. Review status: criteria provided, single submitter. Criteria: CeGaT Center For Human Genetics Tuebingen Variant Classification Criteria Version 2. Collection method: clinical testing. Allele origin: germline. Affected: yes. Observed: 1 variant allele.
Comment: TNXB: PM2, BP4